The following is an entry in ClinVar:

ClinVar aggregate classification (germline): Uncertain significance. Review status: criteria provided, multiple submitters, no conflicts (2 of 4 stars). 4 submissions from 4 submitters: Uncertain significance (4). Last evaluated 2025-09-08.

Conditions:
Cardiovascular phenotype. Identifiers: MedGen CN230736.
Arrhythmogenic cardiomyopathy with wooly hair and keratoderma. Also called: PALMOPLANTAR KERATODERMA WITH LEFT VENTRICULAR CARDIOMYOPATHY AND WOOLLY HAIR; Dilated cardiomyopathy with woolly hair and keratoderma; Arrhythmogenic cardiomyopathy with woolly hair and keratoderma; Carvajal syndrome. Identifiers: Orphanet 65282, MedGen C1854063, MONDO:0011581, OMIM 605676.
Arrhythmogenic right ventricular dysplasia 8 (ARVD8). Also called: ARRHYTHMOGENIC RIGHT VENTRICULAR DYSPLASIA, FAMILIAL, 8; Arrhythmogenic Right Ventricular Dysplasia/Cardiomyopathy 8; ARRHYTHMOGENIC RIGHT VENTRICULAR CARDIOMYOPATHY 8. Identifiers: MedGen C1843896, MONDO:0011831, OMIM 607450.
Cardiomyopathy (CMYO). Also called: Cardiomyopathies. Identifiers: Orphanet 167848, MedGen C0878544, MONDO:0004994, HP:0001638. Inheritance: Various modes of inheritance.

Allele frequency attached by ClinVar (database versions not stated): gnomAD exomes below 0.00001.

Submissions (4):

Labcorp Genetics (formerly Invitae), Labcorp
Classification: Uncertain significance for Arrhythmogenic cardiomyopathy with wooly hair and keratoderma; Arrhythmogenic right ventricular dysplasia 8. Last evaluated: 2025-09-08. Review status: criteria provided, single submitter. Criteria: Invitae Variant Classification Sherloc (09022015). Collection method: clinical testing. Allele origin: germline.
Comment: This sequence change replaces threonine, which is neutral and polar, with asparagine, which is neutral and polar, at codon 2664 of the DSP protein (p.Thr2664Asn). This variant is not present in population databases (gnomAD no frequency). This missense change has been observed in individual(s) with left ventricular hypertrabeculation (PMID: 28798025). ClinVar contains an entry for this variant (Variation ID: 1037894). An algorithm developed to predict the effect of missense changes on protein structure and function (PolyPhen-2) suggests that this variant is likely to be tolerated. In summary, the available evidence is currently insufficient to determine the role of this variant in disease. Therefore, it has been classified as a Variant of Uncertain Significance.

Color Diagnostics, LLC DBA Color Health
Classification: Uncertain significance for Cardiomyopathy. Last evaluated: 2025-06-12. Review status: criteria provided, single submitter. Criteria: ACMG Guidelines, 2015. Collection method: clinical testing. Allele origin: germline.
Comment: This missense variant replaces threonine with asparagine at codon 2664 of the DSP protein. Computational prediction suggests that this variant may not impact protein structure and function. To our knowledge, functional studies have not been reported for this variant. This variant has been reported in an individual affected with left ventricular hypertrabeculation (PMID: 28798025). This variant has not been identified in the general population by the Genome Aggregation Database (gnomAD). The available evidence is insufficient to determine the role of this variant in disease conclusively. Therefore, this variant is classified as a Variant of Uncertain Significance.

Ambry Genetics
Classification: Uncertain significance for Cardiovascular phenotype. Last evaluated: 2023-04-18. Review status: criteria provided, single submitter. Criteria: Ambry Variant Classification Scheme 2023. Collection method: clinical testing. Allele origin: germline.
Comment: The p.T2664N variant (also known as c.7991C>A), located in coding exon 24 of the DSP gene, results from a C to A substitution at nucleotide position 7991. The threonine at codon 2664 is replaced by asparagine, an amino acid with similar properties. This alteration has been reported in an individual with left ventricular hypertrabeculations and an additional alteration in another cardiac-related gene (Miszalski-Jamka K et al. Circ Cardiovasc Genet, 2017 Aug;10:[ePub ahead of print]). This amino acid position is not well conserved in available vertebrate species. In addition, this alteration is predicted to be tolerated by in silico analysis. Since supporting evidence is limited at this time, the clinical significance of this alteration remains unclear.

All of Us Research Program, National Institutes of Health
Classification: Uncertain significance for Arrhythmogenic cardiomyopathy with wooly hair and keratoderma. Last evaluated: 2023-02-24. Review status: criteria provided, single submitter. Criteria: ACMG Guidelines, 2015. Collection method: clinical testing. Allele origin: germline. Inheritance: Autosomal dominant inheritance. Observed: 1 variant allele, 1 heterozygote.
Comment: This missense variant replaces threonine with asparagine at codon 2664 of the DSP protein. Computational prediction suggests that this variant may not impact protein structure and function (internally defined REVEL score threshold <= 0.5, PMID: 27666373). To our knowledge, functional studies have not been reported for this variant. This variant has not been reported in individuals affected with DSP-related disorders in the literature. This variant has not been identified in the general population by the Genome Aggregation Database (gnomAD). The available evidence is insufficient to determine the role of this variant in disease conclusively. Therefore, this variant is classified as a Variant of Uncertain Significance.

This study involves interpretation of variants in research participants for the purpose of population health screening. Participant phenotype was not available at the time of variant classification. Additional details can be found in publication PMID: 35346344, PMCID: PMC8962531

Literature cited by the submitters: PubMed 28798025 (cited by 3 submitters).

NM_004415.4(DSP):c.7991C>A (p.Thr2664Asn)

Gene: DSP (desmoplakin; plus strand). Cytogenetic location: 6p24.3.
Variant type: single nucleotide variant.
Coding change: c.7991C>A on transcript NM_004415.4 (MANE Select); coding-DNA position 7991, C replaced by A.
Protein change: p.Thr2664Asn; replaces threonine 2664 with asparagine.
Molecular consequence: missense variant.
Genome position (GRCh38, 1-based): chr6:7,585,253, C>A. VCF-style: chr6-7585253-C-A. GRCh37 (hg19) VCF-style: chr6-7585486-C-A.
Other names: c.7991C>A (NM_004415.2); c.6194C>A, p.Thr2065Asn (NM_001008844.3); c.6662C>A, p.Thr2221Asn (NM_001319034.2); short protein forms T2664N, T2065N, T2221N.
Identifiers: ClinVar variation 1037894 (VCV001037894.13), dbSNP rs1759611499, ClinGen allele CA362694212.